The following is an entry in ClinVar:

NM_152381.6(XIRP2):c.*240C>T

Gene: XIRP2 (xin actin binding repeat containing 2; plus strand). Cytogenetic location: 2q24.3.
Variant type: single nucleotide variant.
Coding change: c.*240C>T on transcript NM_152381.6 (MANE Select); 240 bases downstream of the stop codon, C replaced by T.
Molecular consequence: 3 prime UTR variant. On other transcripts: missense variant (3).
Genome position (GRCh38, 1-based): chr2:167,258,057, C>T. VCF-style: chr2-167258057-C-T. GRCh37 (hg19) VCF-style: chr2-168114567-C-T.
Other names: c.1511C>T, p.Thr504Ile (NM_001079810.4); c.1610C>T, p.Thr537Ile (NM_001199143.2); c.*240C>T (NM_001199144.2); c.845C>T, p.Thr282Ile (NM_001199145.2); short protein forms T504I, T537I, T282I.
Identifiers: ClinVar variation 779319 (VCV000779319.6), dbSNP rs62197395, ClinGen allele CA1948357.
Genomic context (GRCh38, chr2:167,258,057, plus strand): 5'-GATCAGTGGACTTTATTCCTAATGAAGAACCAAATATGTGTAAAAATATTGCAGAAAACA[C>T]CCTTGTACCTGGAGATCGTAATGAACATTTAGATGCTGGTAACAGTGAAGGGCAAAGGAA-3'

ClinVar aggregate classification (germline): Likely benign. Review status: criteria provided, single submitter (1 of 4 stars). 2 submissions from 2 submitters: Likely benign (1). 1 of the submissions does not count toward it. Last evaluated 2019-12-31.

Conditions:
XIRP2-related disorder. Also called: XIRP2-related condition.

Allele frequency attached by ClinVar (database versions not stated): 1000 Genomes Project 30x 0.00078; 1000 Genomes Project 0.00080; gnomAD 0.00111; TOPMed 0.00129; ESP Exome Variant Server 0.00160.
gnomAD v4.1: 2,537 of 1,613,012 alleles (0.16%); highest among the groups gnomAD compares: Admixed American, 0.21%; 5 homozygotes.

Submissions (2):

Labcorp Genetics (formerly Invitae), Labcorp
Classification: Likely benign. Last evaluated: 2019-12-31. Review status: criteria provided, single submitter. Criteria: Invitae Variant Classification Sherloc (09022015). Collection method: clinical testing. Allele origin: germline.

PreventionGenetics, part of Exact Sciences
Classification: Likely benign for XIRP2-related condition. Last evaluated: 2023-02-22. Review status: no assertion criteria provided. Collection method: clinical testing. Allele origin: germline. Not counted in ClinVar's aggregate classification.
Comment: This variant is classified as likely benign based on ACMG/AMP sequence variant interpretation guidelines (Richards et al. 2015 PMID: 25741868, with internal and published modifications).